The following is an entry in ClinVar:

NM_139343.3(BIN1):c.52G>A (p.Val18Met)

Gene: BIN1 (bridging integrator 1; minus strand). Cytogenetic location: 2q14.3.
Variant type: single nucleotide variant.
Coding change: c.52G>A on transcript NM_139343.3 (MANE Select); coding-DNA position 52, G replaced by A.
Protein change: p.Val18Met; replaces valine 18 with methionine.
Molecular consequence: missense variant.
Genome position (GRCh38, 1-based): chr2:127,106,892, C>T on the plus strand (G>A on the coding strand, the complement: BIN1 is on the minus strand). VCF-style: chr2-127106892-C-T. GRCh37 (hg19) VCF-style: chr2-127864468-C-T.
Other names: c.52G>A, p.Val18Met (NM_001320632.2, NM_001320633.2, NM_001320640.2 and 10 more transcripts); short protein forms V18M.
Identifiers: ClinVar variation 863982 (VCV000863982.11), dbSNP rs566597765, ClinGen allele CA1857626.

ClinVar aggregate classification (germline): Uncertain significance. Review status: criteria provided, multiple submitters, no conflicts (2 of 4 stars). 2 submissions from 2 submitters: Uncertain significance (2). Last evaluated 2024-11-06.

Conditions:
Myopathy, centronuclear, 2 (CNM2). Also called: MYOTUBULAR MYOPATHY, AUTOSOMAL RECESSIVE. Identifiers: Orphanet 169186, MedGen CN031787, MONDO:0009709, OMIM 255200.

Allele frequency attached by ClinVar (database versions not stated): gnomAD exomes 0.00003; gnomAD 0.00005 and 0.00006; TOPMed 0.00004; ExAC 0.00004; 1000 Genomes Project 30x 0.00031; 1000 Genomes Project 0.00040.
gnomAD v4.1: 27 of 1,612,358 alleles (0.0017%); highest among the groups gnomAD compares: Admixed American, 0.042%; no homozygotes.

Submissions (2):

Labcorp Genetics (formerly Invitae), Labcorp
Classification: Uncertain significance for Myopathy, centronuclear, 2. Last evaluated: 2024-11-06. Review status: criteria provided, single submitter. Criteria: Invitae Variant Classification Sherloc (09022015). Collection method: clinical testing. Allele origin: germline.
Comment: This sequence change replaces valine, which is neutral and non-polar, with methionine, which is neutral and non-polar, at codon 18 of the BIN1 protein (p.Val18Met). This variant is present in population databases (rs566597765, gnomAD 0.02%). This variant has not been reported in the literature in individuals affected with BIN1-related conditions. ClinVar contains an entry for this variant (Variation ID: 863982). Invitae Evidence Modeling of protein sequence and biophysical properties (such as structural, functional, and spatial information, amino acid conservation, physicochemical variation, residue mobility, and thermodynamic stability) indicates that this missense variant is not expected to disrupt BIN1 protein function with a negative predictive value of 80%. This variant disrupts the p.Val18 amino acid residue in BIN1. Other variant(s) that disrupt this residue have been determined to be pathogenic (PMID: 29103045). This suggests that this residue is clinically significant, and that variants that disrupt this residue are likely to be disease-causing. In summary, the available evidence is currently insufficient to determine the role of this variant in disease. Therefore, it has been classified as a Variant of Uncertain Significance.

GeneDx
Classification: Uncertain significance. Last evaluated: 2019-12-05. Review status: criteria provided, single submitter. Criteria: GeneDx Variant Classification Process June 2021. Collection method: clinical testing. Allele origin: germline. Affected: yes.
Comment: The majority of missense variants in this gene are considered pathogenic (Stenson et al., 2014); In silico analysis, which includes protein predictors and evolutionary conservation, supports that this variant does not alter protein structure/function; Has not been previously published as pathogenic or benign to our knowledge

Literature cited by the submitters: PubMed 29103045 (cited by Labcorp Genetics (formerly Invitae), Labcorp).